The following is an entry in ClinVar:

ClinVar aggregate classification (germline): Uncertain significance (1 of 4 stars; one submission).

gnomAD v4.1: 1 of 1,613,486 alleles (0.000062%); highest among the groups gnomAD compares: Non-Finnish European, 0.000085%; no homozygotes.

Submission:

GeneDx
Classification: Uncertain significance. Last evaluated: 2019-10-29. Review status: criteria provided, single submitter. Criteria: GeneDx Variant Classification Process June 2021. Collection method: clinical testing. Allele origin: germline. Affected: yes.
Comment: Not observed in large population cohorts (Lek et al., 2016); In silico analysis, which includes protein predictors and evolutionary conservation, supports that this variant does not alter protein structure/function; Has not been previously published as pathogenic or benign to our knowledge

NM_194248.3(OTOF):c.3844A>G (p.Thr1282Ala)

Gene: OTOF (otoferlin; minus strand). Cytogenetic location: 2p23.3.
Variant type: single nucleotide variant.
Coding change: c.3844A>G on transcript NM_194248.3 (MANE Select); coding-DNA position 3844, A replaced by G.
Protein change: p.Thr1282Ala; replaces threonine 1282 with alanine.
Molecular consequence: missense variant.
Genome position (GRCh38, 1-based): chr2:26,472,539, T>C on the plus strand (A>G on the coding strand, the complement: OTOF is on the minus strand). VCF-style: chr2-26472539-T-C. GRCh37 (hg19) VCF-style: chr2-26695407-T-C.
Other names: c.3844A>G, p.Thr1282Ala (NM_001287489.2); c.1543A>G, p.Thr515Ala (NM_004802.4, NM_194323.3); c.1774A>G, p.Thr592Ala (NM_194322.3); short protein forms T1282A, T515A, T592A.
Identifiers: ClinVar variation 1309863 (VCV001309863.2), dbSNP rs2148039850, ClinGen allele CA346102564.